The following is an entry in ClinVar:

NC_012920.1:m.6054G>A

Gene: MT-CO1 (mitochondrially encoded cytochrome c oxidase I; plus strand).
Variant type: single nucleotide variant.
Genome position: chrM-6054-G-A.
Identifiers: ClinVar variation 618721 (VCV000618721.8), dbSNP rs1569484049, ClinGen allele CA414781402.
Genomic context (GRCh38, chrMT:6,054, plus strand): 5'-ACAGCTCTAAGCCTCCTTATTCGAGCCGAGCTGGGCCAGCCAGGCAACCTTCTAGGTAAC[G>A]ACCACATCTACAACGTTATCGTCACAGCCCATGCATTTGTAATAATCTTCTTCATAGTAA-3'

ClinVar aggregate classification (germline): Uncertain significance (1 of 4 stars; one submission).

Submission:

ARUP Laboratories, Molecular Genetics and Genomics, ARUP Laboratories
Classification: Uncertain significance. Last evaluated: 2018-03-05. Review status: criteria provided, single submitter. Criteria: ARUP Molecular Germline Variant Investigation Process. Collection method: clinical testing. Allele origin: germline.
Comment: The m.6054G>A variant affected the MT-CO1 gene (c.151G>A; p.Asp51Asn) encoding the mitochondria cytochrome c oxidase I. This variant has not been reported in the medical literature and is not listed in gene-specific variant databases in association with disease. However, it is rare in the MITOMAP database (0.005% overall population frequency), and affects a highly conserved nucleotide and amino acid. Therefore, based on the available information, the clinical significance of the m.6054G>A variant cannot be determined with certainty.